The following is an entry in ClinVar:

NM_007294.4(BRCA1):c.5135G>A (p.Trp1712Ter)

Gene: BRCA1 (BRCA1 DNA repair associated; minus strand). Cytogenetic location: 17q21.31.
Variant type: single nucleotide variant.
Coding change: c.5135G>A on transcript NM_007294.4 (MANE Select); coding-DNA position 5135, G replaced by A.
Protein change: p.Trp1712Ter; replaces tryptophan 1712 with a stop codon.
Molecular consequence: nonsense. On other transcripts: non-coding transcript variant (1).
Genome position (GRCh38, 1-based): chr17:43,063,891, C>T on the plus strand (G>A on the coding strand, the complement: BRCA1 is on the minus strand). VCF-style: chr17-43063891-C-T. GRCh37 (hg19) VCF-style: chr17-41215908-C-T.
Other names: 5254G>A Trp1712ter; c.4922G>A, p.Trp1641Ter (NM_001407571.1, NM_001407894.1, NM_001407908.1 and 12 more transcripts); c.5201G>A, p.Trp1734Ter (NM_001407581.1, NM_001407582.1); c.5198G>A, p.Trp1733Ter (NM_001407583.1, NM_001407585.1, NM_001407587.1 and 1 more transcripts); c.5195G>A, p.Trp1732Ter (NM_001407590.1, NM_001407591.1); c.5135G>A, p.Trp1712Ter (NM_001407593.1, NM_001407594.1, NM_001407596.1 and 7 more transcripts); c.5132G>A, p.Trp1711Ter (NM_001407613.1, NM_001407614.1, NM_001407615.1 and 17 more transcripts); c.5129G>A, p.Trp1710Ter (NM_001407632.1, NM_001407633.1, NM_001407634.1 and 14 more transcripts); and 72 more; short protein forms W1712*, W1733*, W608*, W1665*, W1558*, W1599*, W1624*, W1640*.
Identifiers: ClinVar variation 230624 (VCV000230624.28), dbSNP rs876658672, ClinGen allele CA10580498.
Genomic context (GRCh38, chr17:43,063,891, plus strand): 5'-TGAGGTGTTAAAGGGAGGAGGGGAGAAATAGTATTATACTTACAGAAATAGCTAACTACC[C>T]ATTTTCCTCCCGCAATTCCTAGAAAATATTTCAGTGTCCGTTCACACACAAACTCAGCAT-3'

ClinVar aggregate classification (germline): Pathogenic. Review status: reviewed by expert panel (3 of 4 stars). 8 submissions from 8 submitters: Pathogenic (1). 7 of the submissions do not count toward it. Last evaluated 2016-10-18.

Conditions:
Breast-ovarian cancer, familial, susceptibility to, 1 (BROVCA1). Also called: OVARIAN CANCER, SUSCEPTIBILITY TO; BRCA1 Hereditary Breast and Ovarian Cancer. Identifiers: Orphanet 145, MedGen C2676676, MONDO:0011450, OMIM 604370. Disease mechanism: loss of function.
Fanconi anemia, complementation group S (FANCS). Identifiers: MedGen C4554406, MONDO:0054748, OMIM 617883.
Pancreatic cancer, susceptibility to, 4. Identifiers: Orphanet 1333, MedGen C3280442, MONDO:0013685, OMIM 614320.
Hereditary cancer-predisposing syndrome. Also called: Neoplastic Syndromes, Hereditary; Tumor predisposition; Hereditary Cancer Syndrome; Hereditary neoplastic syndrome. Identifiers: Orphanet 140162, MedGen C0027672, MeSH D009386, MONDO:0015356.
Hereditary breast ovarian cancer syndrome. Also called: Hereditary breast and ovarian cancer syndrome; Hereditary breast and ovarian cancer; Hereditary breast and ovarian cancer syndrome (HBOC); Breast and ovarian cancer; Hereditary breast and/or ovarian cancer syndrome; BRCA1- and BRCA2-Associated Hereditary Breast and Ovarian Cancer. Identifiers: Orphanet 145, MedGen C0677776, MeSH D061325, MONDO:0003582. Disease mechanism: loss of function.

Submissions (9):

Evidence-based Network for the Interpretation of Germline Mutant Alleles (ENIGMA)
Classification: Pathogenic for Breast-ovarian cancer, familial, susceptibility to, 1. Last evaluated: 2016-10-18. Review status: reviewed by expert panel. Criteria: ENIGMA BRCA1/2 Classification Criteria (2015). Collection method: curation. Allele origin: germline.
Comment: Variant allele predicted to encode a truncated non-functional protein.

Ambry Genetics
Classification: Pathogenic for Hereditary cancer-predisposing syndrome. Last evaluated: 2025-04-11. Review status: criteria provided, single submitter. Criteria: Ambry Variant Classification Scheme 2023. Collection method: clinical testing. Allele origin: germline. Not counted in ClinVar's aggregate classification.
Comment: The p.W1712* pathogenic mutation (also known as c.5135G>A), located in coding exon 16 of the BRCA1 gene, results from a G to A substitution at nucleotide position 5135. This changes the amino acid from a tryptophan to a stop codon within coding exon 16. This alteration was identified in an individual diagnosed with breast cancer (Ozcelik H et al. J. Med. Genet. 2003; 40:e91). In addition to the clinical data presented in the literature, this alteration is expected to result in loss of function by premature protein truncation or nonsense-mediated mRNA decay. As such, this alteration is interpreted as a disease-causing mutation.

Baylor Genetics
Classification: Pathogenic for Breast-ovarian cancer, familial, susceptibility to, 1. Last evaluated: 2023-01-31. Review status: criteria provided, single submitter. Criteria: ACMG Guidelines, 2015. Collection method: clinical testing. Allele origin: unknown. Not counted in ClinVar's aggregate classification.

Color Diagnostics, LLC DBA Color Health
Classification: Pathogenic for Hereditary cancer-predisposing syndrome. Last evaluated: 2020-04-30. Review status: criteria provided, single submitter. Criteria: ACMG Guidelines, 2015. Collection method: clinical testing. Allele origin: germline. Not counted in ClinVar's aggregate classification.
Comment: This variant changes 1 nucleotide in exon 17 of the BRCA1 gene, creating a premature translation stop signal. This variant is expected to result in an absent or non-functional protein product. To our knowledge, this variant has not been reported in individuals affected with hereditary cancer in the literature. This variant has not been identified in the general population by the Genome Aggregation Database (gnomAD). Loss of BRCA1 function is a known mechanism of disease. Based on the available evidence, this variant is classified as Pathogenic.

Labcorp Genetics (formerly Invitae), Labcorp
Classification: Pathogenic for Hereditary breast ovarian cancer syndrome. Last evaluated: 2020-02-09. Review status: criteria provided, single submitter. Criteria: Invitae Variant Classification Sherloc (09022015). Collection method: clinical testing. Allele origin: germline. Not counted in ClinVar's aggregate classification.
Comment: For these reasons, this variant has been classified as Pathogenic. This sequence change creates a premature translational stop signal (p.Trp1712*) in the BRCA1 gene. It is expected to result in an absent or disrupted protein product. This variant is not present in population databases (ExAC no frequency). This variant has been observed in individual(s) with clinical features of hereditary breast and ovarian cancer syndrome (PMID: 29446198). ClinVar contains an entry for this variant (Variation ID: 230624). Loss-of-function variants in BRCA1 are known to be pathogenic (PMID: 20104584).

Consortium of Investigators of Modifiers of BRCA1/2 (CIMBA), c/o University of Cambridge
Classification: Pathogenic for Breast-ovarian cancer, familial, susceptibility to, 1. Last evaluated: 2015-10-02. Review status: criteria provided, single submitter. Criteria: CIMBA Mutation Classification guidelines May 2016. Collection method: clinical testing. Allele origin: germline. Not counted in ClinVar's aggregate classification.

Genesis Genomics
Classification: Pathogenic for Breast-ovarian cancer, familial, susceptibility to, 1. Review status: criteria provided, single submitter. Criteria: ACMG Guidelines, 2015. Collection method: clinical testing. Allele origin: germline. Affected: yes. Observed: 1 variant allele. Not counted in ClinVar's aggregate classification.

Juno Genomics, Hangzhou Juno Genomics, Inc
Classification: Pathogenic for Breast-ovarian cancer, familial, susceptibility to, 1; Pancreatic cancer, susceptibility to, 4; Fanconi anemia, complementation group S. Review status: criteria provided, single submitter. Criteria: ACMG Guidelines, 2015. Collection method: clinical testing. Allele origin: germline. Not counted in ClinVar's aggregate classification.
Comment: Absent from controls (or at extremely low frequency if recessive) in Genome Aggregation Database.;Null variant in a gene where loss of function (LOF) is a known mechanism of disease.;The prevalence of the variant in affected individuals is significantly increased compared to the prevalence in controls.

Brotman Baty Institute, University of Washington
No classification provided (evidence only). Condition: Breast-ovarian cancer, familial 1. Review status: no classification provided. Collection method: in vitro. Allele origin: not applicable. Functional consequence: functionally_abnormal. Not counted in ClinVar's aggregate classification.
ClinVar note: "not provided" was previously submitted as the classification for the variant. However, the classification appeared to be based only on an observation of functional data so it was converted to no classification on 2025-07-30.

Literature cited by the submitters: PubMed 29446198 (cited by Labcorp Genetics (formerly Invitae), Labcorp); PubMed 20104584 (cited by Labcorp Genetics (formerly Invitae), Labcorp).